The following is an entry in ClinVar:

NM_000038.6(APC):c.5813A>G (p.Lys1938Arg)

Gene: APC (APC regulator of Wnt signaling pathway; plus strand). Cytogenetic location: 5q22.2.
Variant type: single nucleotide variant.
Coding change: c.5813A>G on transcript NM_000038.6 (MANE Select); coding-DNA position 5813, A replaced by G.
Protein change: p.Lys1938Arg; replaces lysine 1938 with arginine.
Molecular consequence: missense variant.
Genome position (GRCh38, 1-based): chr5:112,841,407, A>G. VCF-style: chr5-112841407-A-G. GRCh37 (hg19) VCF-style: chr5-112177104-A-G.
Other names: c.5813A>G, p.Lys1938Arg (NM_001127510.3, NM_001354895.2); c.5759A>G, p.Lys1920Arg (NM_001127511.3); c.5867A>G, p.Lys1956Arg (NM_001354896.2); c.5843A>G, p.Lys1948Arg (NM_001354897.2); c.5738A>G, p.Lys1913Arg (NM_001354898.2); c.5729A>G, p.Lys1910Arg (NM_001354899.2); c.5690A>G, p.Lys1897Arg (NM_001354900.2); c.5636A>G, p.Lys1879Arg (NM_001354901.2); and 5 more; short protein forms K1655R, K1897R, K1910R, K1778R, K1948R, K1847R, K1920R, K1938R.
Identifiers: ClinVar variation 825990 (VCV000825990.15), dbSNP rs1580664248, ClinGen allele CA16034048.

ClinVar aggregate classification (germline): Uncertain significance. Review status: criteria provided, multiple submitters, no conflicts (2 of 4 stars). 2 submissions from 2 submitters: Uncertain significance (2). Last evaluated 2023-10-22.

Conditions:
Familial adenomatous polyposis 1 (FAP1). Also called: POLYPOSIS, ADENOMATOUS INTESTINAL; FAMILIAL ADENOMATOUS POLYPOSIS 1, ATTENUATED. Identifiers: MedGen C2713442, MONDO:0021056, OMIM 175100. Disease mechanism: loss of function.
Hereditary cancer-predisposing syndrome. Also called: Neoplastic Syndromes, Hereditary; Tumor predisposition; Hereditary neoplastic syndrome; Hereditary Cancer Syndrome. Identifiers: Orphanet 140162, MedGen C0027672, MeSH D009386, MONDO:0015356.

Submissions (2):

Labcorp Genetics (formerly Invitae), Labcorp
Classification: Uncertain significance for Familial adenomatous polyposis 1. Last evaluated: 2023-10-22. Review status: criteria provided, single submitter. Criteria: Invitae Variant Classification Sherloc (09022015). Collection method: clinical testing. Allele origin: germline.
Comment: This sequence change replaces lysine, which is basic and polar, with arginine, which is basic and polar, at codon 1938 of the APC protein (p.Lys1938Arg). This variant is not present in population databases (gnomAD no frequency). This variant has not been reported in the literature in individuals affected with APC-related conditions. ClinVar contains an entry for this variant (Variation ID: 825990). Advanced modeling of protein sequence and biophysical properties (such as structural, functional, and spatial information, amino acid conservation, physicochemical variation, residue mobility, and thermodynamic stability) performed at Invitae indicates that this missense variant is not expected to disrupt APC protein function. In summary, the available evidence is currently insufficient to determine the role of this variant in disease. Therefore, it has been classified as a Variant of Uncertain Significance.

Ambry Genetics
Classification: Uncertain significance for Hereditary cancer-predisposing syndrome. Last evaluated: 2019-02-01. Review status: criteria provided, single submitter. Criteria: Ambry Variant Classification Scheme 2023. Collection method: clinical testing. Allele origin: germline.
Comment: The p.K1938R variant (also known as c.5813A>G), located in coding exon 15 of the APC gene, results from an A to G substitution at nucleotide position 5813. The lysine at codon 1938 is replaced by arginine, an amino acid with highly similar properties. This amino acid position is highly conserved in available vertebrate species. In addition, in silico predictors for this gene do not accurately predict pathogenicity. Since supporting evidence is limited at this time, the clinical significance of this alteration remains unclear.